The following is an entry in ClinVar:

ClinVar aggregate classification (germline): Uncertain significance (1 of 4 stars; one submission).

gnomAD v4.1: 2 of 1,611,894 alleles (0.00012%); highest among the groups gnomAD compares: Non-Finnish European, 0.00017%; no homozygotes.

Submission:

Labcorp Genetics (formerly Invitae), Labcorp
Classification: Uncertain significance. Last evaluated: 2025-03-26. Review status: criteria provided, single submitter. Criteria: Invitae Variant Classification Sherloc (09022015). Collection method: clinical testing. Allele origin: germline.
Comment: This sequence change replaces phenylalanine, which is neutral and non-polar, with valine, which is neutral and non-polar, at codon 484 of the LIPC protein (p.Phe484Val). This variant is not present in population databases (gnomAD no frequency). This variant has not been reported in the literature in individuals affected with LIPC-related conditions. An algorithm developed to predict the effect of missense changes on protein structure and function (PolyPhen-2) suggests that this variant is likely to be disruptive. In summary, the available evidence is currently insufficient to determine the role of this variant in disease. Therefore, it has been classified as a Variant of Uncertain Significance.

NM_000236.3(LIPC):c.1450T>G (p.Phe484Val)

Gene: LIPC (lipase C, hepatic type; plus strand). Cytogenetic location: 15q21.3.
Variant type: single nucleotide variant.
Coding change: c.1450T>G on transcript NM_000236.3 (MANE Select); coding-DNA position 1450, T replaced by G.
Protein change: p.Phe484Val; replaces phenylalanine 484 with valine.
Molecular consequence: missense variant.
Genome position (GRCh38, 1-based): chr15:58,568,777, T>G. VCF-style: chr15-58568777-T-G. GRCh37 (hg19) VCF-style: chr15-58860976-T-G.
Other names: short protein forms F484V.
Identifiers: ClinVar variation 4715893 (VCV004715893.1).
Genomic context (GRCh38, chr15:58,568,777, plus strand): 5'-ATGACATTTTGTTCAGAAAACACAGATGACCTACTACTTCGCCCAACCCAGGAAAAAATC[T>G]TCGTGAAATGTGAAATAAAGTCTAAAACATCAAAGCGAAAGATCAGATGAGATTTAATGA-3'
Protein context (NP_000227.2, residues 474-494): LLLRPTQEKI[Phe484Val]VKCEIKSKTS